The following is an entry in ClinVar:

ClinVar aggregate classification (germline): Conflicting classifications of pathogenicity. Review status: criteria provided, conflicting classifications (1 of 4 stars). 11 submissions from 11 submitters: Uncertain significance (5); Likely benign (5). 1 of the submissions does not count toward it. Last evaluated 2025-12-17.

Conditions:
BRCA2-related cancer predisposition. Identifiers: MedGen CN377758, MONDO:0700269.
Hereditary cancer-predisposing syndrome. Also called: Hereditary neoplastic syndrome; Neoplastic Syndromes, Hereditary; Hereditary Cancer Syndrome; Tumor predisposition. Identifiers: Orphanet 140162, MedGen C0027672, MeSH D009386, MONDO:0015356.
Breast-ovarian cancer, familial, susceptibility to, 2 (BROVCA2). Also called: BRCA2 Hereditary Breast and Ovarian Cancer. Identifiers: Orphanet 145, MedGen C2675520, MONDO:0012933, OMIM 612555. Disease mechanism: loss of function.
Familial cancer of breast. Also called: Hereditary breast cancer; BREAST CANCER, FAMILIAL; hereditary breast carcinoma. Identifiers: Orphanet 227535, MedGen C0346153, MONDO:0016419, OMIM 114480. Disease mechanism: loss of function.
Hereditary breast ovarian cancer syndrome. Also called: Hereditary breast and ovarian cancer syndrome (HBOC); Hereditary breast and/or ovarian cancer syndrome; Hereditary breast and ovarian cancer syndrome; Breast and ovarian cancer; BRCA1- and BRCA2-Associated Hereditary Breast and Ovarian Cancer; Hereditary breast and ovarian cancer. Identifiers: Orphanet 145, MedGen C0677776, MeSH D061325, MONDO:0003582. Disease mechanism: loss of function.

Allele frequency attached by ClinVar (database versions not stated): gnomAD exomes below 0.00001 and 0.00001.
gnomAD v4.1: 7 of 1,613,780 alleles (0.00043%); highest among the groups gnomAD compares: Middle Eastern, 0.033%; no homozygotes.

Submissions (11):

Labcorp Genetics (formerly Invitae), Labcorp
Classification: Likely benign for Hereditary breast ovarian cancer syndrome. Last evaluated: 2025-12-17. Review status: criteria provided, single submitter. Criteria: Invitae Variant Classification Sherloc (09022015). Collection method: clinical testing. Allele origin: germline.

Quest Diagnostics Nichols Institute San Juan Capistrano
Classification: Uncertain significance. Last evaluated: 2025-10-31. Review status: criteria provided, single submitter. Criteria: Quest Diagnostics criteria. Collection method: clinical testing. Allele origin: unknown.
Comment: The BRCA2 c.7651A>C (p.Lys2551Gln) variant has been reported in the published literature in a reportedly unaffected individual (PMID: 32467295 (2020)). Functional studies demonstrated that this variant had a neutral effect on protein function, however, additional studies are needed to determine the global effect of this variant on protein function (PMID: 39779848 (2025), 39779857 (2025)). The frequency of this variant in the general population (Genome Aggregation Database) is uninformative in the assessment of its pathogenicity. Analysis of this variant using bioinformatics tools for the prediction of the effect of amino acid changes on protein structure and function yielded predictions that this variant is benign. Based on the available information, we are unable to determine the clinical significance of this variant.

Color Diagnostics, LLC DBA Color Health
Classification: Likely benign for Hereditary cancer-predisposing syndrome. Last evaluated: 2025-02-03. Review status: criteria provided, single submitter. Criteria: ACMG Guidelines, 2015. Collection method: clinical testing. Allele origin: germline.

All of Us Research Program, National Institutes of Health
Classification: Uncertain significance for BRCA2-related cancer predisposition. Last evaluated: 2024-08-30. Review status: criteria provided, single submitter. Criteria: ACMG Guidelines, 2015. Collection method: clinical testing. Allele origin: germline. Inheritance: Autosomal dominant inheritance. Observed: 1 variant allele, 1 heterozygote.
Comment: This missense variant replaces lysine with glutamine at codon 2551 of the BRCA2 protein. Computational prediction suggests that this variant may not impact protein structure and function (internally defined REVEL score threshold <= 0.5, PMID: 27666373). Splice site prediction tools suggest that this variant may not impact RNA splicing. To our knowledge, functional studies have not been reported for this variant. This variant has been reported in a carrier family in an ENIGMA multifactorial analysis but a final classification and clinical history was not described (PMID: 31131967). This variant has been identified in 2/251118 chromosomes in the general population by the Genome Aggregation Database (gnomAD). The available evidence is insufficient to determine the role of this variant in disease conclusively. Therefore, this variant is classified as a Variant of Uncertain Significance.

This study involves interpretation of variants in research participants for the purpose of population health screening. Participant phenotype was not available at the time of variant classification. Additional details can be found in publication PMID: 35346344, PMCID: PMC8962531

MGZ Medical Genetics Center
Classification: Uncertain significance for Familial cancer of breast. Last evaluated: 2024-02-09. Review status: criteria provided, single submitter. Criteria: CSpec BRCA1/2ACMG Rules Specifications V1.1.0. Collection method: clinical testing. Allele origin: germline. Affected: yes.
Comment: ACMG codes applied following ENIGMA VCEP rules: BP4

Blueprint Genetics
Classification: Uncertain significance. Last evaluated: 2023-08-17. Review status: criteria provided, single submitter. Criteria: ACMG Guidelines, 2015. Collection method: clinical testing. Allele origin: germline.

Department of Pathology and Laboratory Medicine, Sinai Health System
Classification: Likely benign for Familial cancer of breast; Breast-ovarian cancer, familial, susceptibility to, 2. Last evaluated: 2022-10-27. Review status: criteria provided, single submitter. Criteria: ACMG Guidelines, 2015. Collection method: clinical testing. Allele origin: germline. Affected: yes.

Ambry Genetics
Classification: Likely benign for Hereditary cancer-predisposing syndrome. Last evaluated: 2019-01-02. Review status: criteria provided, single submitter. Criteria: Ambry Variant Classification Scheme 2023. Collection method: clinical testing. Allele origin: germline.

GeneDx
Classification: Likely benign. Last evaluated: 2018-02-20. Review status: criteria provided, single submitter. Criteria: GeneDx Variant Classification (06012015). Collection method: clinical testing. Allele origin: germline. Affected: yes.
Comment: This variant is considered likely benign or benign based on one or more of the following criteria: it is a conservative change, it occurs at a poorly conserved position in the protein, it is predicted to be benign by multiple in silico algorithms, and/or has population frequency not consistent with disease.

Women's Health and Genetics/Laboratory Corporation of America, LabCorp
Classification: Uncertain significance. Last evaluated: 2016-04-04. Review status: criteria provided, single submitter. Criteria: LabCorp Variant Classification Summary - May 2015. Collection method: clinical testing. Allele origin: germline.
Comment: Variant Summary: The c.7651A>C variant involves the alteration of a non-conserved nucleotide and 4/4 in silico tools predict a neutral outcome. The variant is absent from the large, broad ExAC control population. The variant of interest has not, to our knowledge, been reported in affected individuals via publications nor evaluated for functional impact by in vivo/vitro studies. Multiple reputable clinical labs have classified the variant as "likely benign", without evidence to independently evaluate. Because of the absence of clinical information and the lack of functional studies, the variant was classified as a variant of uncertain significance (VUS) until additional information becomes available.

Sharing Clinical Reports Project (SCRP)
Classification: Likely benign for Breast-ovarian cancer, familial 2. Last evaluated: 2012-01-11. Review status: no assertion criteria provided. Collection method: clinical testing. Allele origin: germline. Not counted in ClinVar's aggregate classification.

Literature cited by the submitters: PubMed 30212499 (cited by Quest Diagnostics Nichols Institute San Juan Capistrano); PubMed 39779848 (cited by Quest Diagnostics Nichols Institute San Juan Capistrano); PubMed 39779857 (cited by Quest Diagnostics Nichols Institute San Juan Capistrano); PubMed 25348012 (cited by Quest Diagnostics Nichols Institute San Juan Capistrano and Women's Health and Genetics/Laboratory Corporation of America, LabCorp); PubMed 32467295 (cited by Quest Diagnostics Nichols Institute San Juan Capistrano); PubMed 31131967 (cited by Quest Diagnostics Nichols Institute San Juan Capistrano and All of Us Research Program, National Institutes of Health).

NM_000059.4(BRCA2):c.7651A>C (p.Lys2551Gln)

Gene: BRCA2 (BRCA2 DNA repair associated; plus strand). Cytogenetic location: 13q13.1.
Variant type: single nucleotide variant.
Coding change: c.7651A>C on transcript NM_000059.4 (MANE Select); coding-DNA position 7651, A replaced by C.
Protein change: p.Lys2551Gln; replaces lysine 2551 with glutamine.
Molecular consequence: missense variant.
Genome position (GRCh38, 1-based): chr13:32,357,775, A>C. VCF-style: chr13-32357775-A-C. GRCh37 (hg19) VCF-style: chr13-32931912-A-C.
Other names: p.K2551Q:AAA>CAA; 7879A>C; short protein forms K2551Q.
Identifiers: ClinVar variation 91488 (VCV000091488.30), dbSNP rs398122587, ClinGen allele CA025213.